The following is an entry in ClinVar:

NM_000059.4(BRCA2):c.3450T>C (p.Thr1150=)

Gene: BRCA2 (BRCA2 DNA repair associated; plus strand). Cytogenetic location: 13q13.1.
Variant type: single nucleotide variant.
Coding change: c.3450T>C on transcript NM_000059.4 (MANE Select); coding-DNA position 3450, T replaced by C.
Protein change: p.Thr1150=; no amino-acid change (threonine 1150 retained).
Molecular consequence: synonymous variant.
Genome position (GRCh38, 1-based): chr13:32,337,805, T>C. VCF-style: chr13-32337805-T-C. GRCh37 (hg19) VCF-style: chr13-32911942-T-C.
Identifiers: ClinVar variation 929097 (VCV000929097.3), dbSNP rs2072480743, ClinGen allele CA483437483.

ClinVar aggregate classification (germline): Likely benign. Review status: criteria provided, multiple submitters, no conflicts (2 of 4 stars). 2 submissions from 2 submitters: Likely benign (2). Last evaluated 2022-06-30.

Conditions:
Hereditary cancer-predisposing syndrome. Also called: Neoplastic Syndromes, Hereditary; Hereditary Cancer Syndrome; Tumor predisposition; Hereditary neoplastic syndrome. Identifiers: Orphanet 140162, MedGen C0027672, MeSH D009386, MONDO:0015356.

Submissions (2):

Ambry Genetics
Classification: Likely benign for Hereditary cancer-predisposing syndrome. Last evaluated: 2022-06-30. Review status: criteria provided, single submitter. Criteria: Ambry Variant Classification Scheme 2023. Collection method: clinical testing. Allele origin: germline.

Women's Health and Genetics/Laboratory Corporation of America, LabCorp
Classification: Likely benign. Last evaluated: 2019-11-08. Review status: criteria provided, single submitter. Criteria: LabCorp Variant Classification Summary - May 2015. Collection method: clinical testing. Allele origin: germline.
Comment: Variant summary: BRCA2 c.3450T>C alters a non-conserved nucleotide resulting in a synonymous change. 5/5 computational tools predict no significant impact on normal splicing. However, these predictions have yet to be confirmed by functional studies. The variant was absent in 251004 control chromosomes (gnomAD). The available data on variant occurrences in the general population are insufficient to allow any conclusion about variant significance. To our knowledge, no occurrence of c.3450T>C in individuals affected with Hereditary Breast and Ovarian Cancer and no experimental evidence demonstrating its impact on protein function have been reported. No clinical diagnostic laboratories have submitted clinical-significance assessments for this variant to ClinVar after 2014. Based on the evidence outlined above, the variant was classified as likely benign.